The following is an entry in ClinVar:

NM_001034853.2(RPGR):c.125G>T (p.Cys42Phe)

Gene: RPGR (retinitis pigmentosa GTPase regulator; minus strand). Cytogenetic location: Xp11.4.
Variant type: single nucleotide variant.
Coding change: c.125G>T on transcript NM_001034853.2 (MANE Select); coding-DNA position 125, G replaced by T.
Protein change: p.Cys42Phe; replaces cysteine 42 with phenylalanine.
Molecular consequence: missense variant. On other transcripts: non-coding transcript variant (6).
Genome position (GRCh38, 1-based): chrX:38,323,428, C>A on the plus strand (G>T on the coding strand, the complement: RPGR is on the minus strand). VCF-style: chrX-38323428-C-A. GRCh37 (hg19) VCF-style: chrX-38182681-C-A.
Other names: NM_001034853.2(RPGR):c.125G>T; p.Cys42Phe; c.125G>T, p.Cys42Phe (NM_000328.3, NM_001367245.1, NM_001367246.1 and 4 more transcripts); c.155G>T, p.Cys52Phe (NM_001367248.1); short protein forms C42F, C52F.
Identifiers: ClinVar variation 1993965 (VCV001993965.5), dbSNP rs2519912062, ClinGen allele CA412745786.

ClinVar aggregate classification (germline): Uncertain significance. Review status: reviewed by expert panel (3 of 4 stars). 2 submissions from 2 submitters: Uncertain significance (1). 1 of the submissions does not count toward it. Last evaluated 2026-01-25.

Conditions:
RPGR-related retinopathy. Also called: RPGR retinopathy. Identifiers: MedGen CN305589, MONDO:0100437.
Primary ciliary dyskinesia. Also called: Ciliary dyskinesia. Identifiers: Orphanet 244, MedGen C0008780, MONDO:0016575, HP:0012265.

Submissions (2):

ClinGen X-linked Inherited Retinal Disease Variant Curation Expert Panel, ClinGen
Classification: Uncertain significance for RPGR-related retinopathy. Last evaluated: 2026-01-25. Review status: reviewed by expert panel. Criteria: ClinGen X LinkedIRD ACMG Specifications RPGR V1.0.0. Collection method: curation. Allele origin: germline. Inheritance: X-linked inheritance.
Comment: NM_001034853.2(RPGR):c.125G>T (p.Cys42Phe) is a missense variant predicted to cause substitution of cysteine by phenylalanine at amino acid 42. This variant is absent from hemizygous individuals in gnomAD v4.1.0 (PM2_Supporting). The computational predictor REVEL gives a score of 0.851, which is between the ClinGen X-linked IRD VCEP threshold of 0.773 to 0.931 and predicts a damaging effect on RPGR function (PP3_Moderate). The computational splicing predictor SpliceAI gives a delta score of 0.00 for all types of changes, which is below the ClinGen X-linked IRD VCEP threshold of >0.2 and does not predict that the variant disrupts RPGR splicing. This variant has been reported in ClinVar in at least 1 affected proband who does not meet one of the PS4 requirements of a male with some functional vision impairment by age 30 years and/or decreased or absent electroretinogram responses, or a female with functional visual abnormality and documentation of a male relative affected with retinitis pigmentosa (ClinVar Accession: SCV003195626.3), so PS4_Supporting is not met. In summary, this variant is classified as a variant of uncertain significance for RPGR-related retinopathy based on the ClinGen X-linked Inherited Retinal Disease Expert Panel Specifications to the ACMG/AMP Variant Interpretation Guidelines for RPGR Version 1.0.0; PM2_Supporting and PP3_Moderate.

Labcorp Genetics (formerly Invitae), Labcorp
Classification: Uncertain significance for Primary ciliary dyskinesia. Last evaluated: 2022-05-31. Review status: criteria provided, single submitter. Criteria: Invitae Variant Classification Sherloc (09022015). Collection method: clinical testing. Allele origin: germline. Not counted in ClinVar's aggregate classification.
Comment: This sequence change replaces cysteine, which is neutral and slightly polar, with phenylalanine, which is neutral and non-polar, at codon 42 of the RPGR protein (p.Cys42Phe). This variant is not present in population databases (gnomAD no frequency). This missense change has been observed in individual(s) with retinitis pigmentosa (Invitae). Algorithms developed to predict the effect of missense changes on protein structure and function (SIFT, PolyPhen-2, Align-GVGD) all suggest that this variant is likely to be disruptive. This variant disrupts the p.Cys42 amino acid residue in RPGR. Other variant(s) that disrupt this residue have been observed in individuals with RPGR-related conditions (PMID: 28041643), which suggests that this may be a clinically significant amino acid residue. In summary, the available evidence is currently insufficient to determine the role of this variant in disease. Therefore, it has been classified as a Variant of Uncertain Significance.

Literature cited by the submitters: PubMed 28041643 (cited by Labcorp Genetics (formerly Invitae), Labcorp).